The following is an entry in ClinVar:

ClinVar aggregate classification (germline): Uncertain significance (1 of 4 stars; one submission).

Submission:

GeneDx
Classification: Uncertain significance. Last evaluated: 2024-06-11. Review status: criteria provided, single submitter. Criteria: GeneDx Variant Classification Process June 2021. Collection method: clinical testing. Allele origin: germline. Affected: yes.
Comment: Not observed at significant frequency in large population cohorts (gnomAD); In silico analysis supports that this missense variant has a deleterious effect on protein structure/function; Missense variant in a gene in which most reported pathogenic variants are truncating/loss of function; Has not been previously published as pathogenic or benign to our knowledge

NM_015443.4(KANSL1):c.1325G>T (p.Arg442Leu)

Gene: KANSL1 (KAT8 regulatory NSL complex subunit 1). Cytogenetic location: 17q21.31.
Variant type: single nucleotide variant.
Coding change: c.1325G>T on transcript NM_015443.4 (MANE Select); coding-DNA position 1325, G replaced by T.
Protein change: p.Arg442Leu; replaces arginine 442 with leucine.
Molecular consequence: missense variant.
Genome position (GRCh38, 1-based): chr17:46,094,666, C>A on the plus strand (G>T on the coding strand, the complement: KANSL1 is on the minus strand). VCF-style: chr17-46094666-C-A. GRCh37 (hg19) VCF-style: chr17-44172032-C-A.
Other names: c.1325G>T, p.Arg442Leu (NM_001193465.2, NM_001193466.2, NM_001379198.1 and 18 more transcripts); c.59G>T, p.Arg20Leu (NM_001405882.1, NM_001405883.1, NM_001405884.1 and 1 more transcripts); short protein forms R20L, R442L.
Identifiers: ClinVar variation 3390474 (VCV003390474.1).